The following is an entry in ClinVar:

ClinVar aggregate classification (germline): Uncertain significance. Review status: criteria provided, multiple submitters, no conflicts (2 of 4 stars). 2 submissions from 2 submitters: Uncertain significance (2). Last evaluated 2025-10-30.

Allele frequency attached by ClinVar (database versions not stated): ExAC 0.00007; TOPMed 0.00014; gnomAD exomes 0.00003 and 0.00009; gnomAD 0.00011; 1000 Genomes Project 30x 0.00016; 1000 Genomes Project 0.00020.
gnomAD v4.1: 63 of 1,613,528 alleles (0.0039%); highest among the groups gnomAD compares: East Asian, 0.071%; no homozygotes.

Submissions (2):

Ambry Genetics
Classification: Uncertain significance. Last evaluated: 2025-10-30. Review status: criteria provided, single submitter. Criteria: Ambry Variant Classification Scheme 2023. Collection method: clinical testing. Allele origin: germline.

Labcorp Genetics (formerly Invitae), Labcorp
Classification: Uncertain significance. Last evaluated: 2022-08-16. Review status: criteria provided, single submitter. Criteria: Invitae Variant Classification Sherloc (09022015). Collection method: clinical testing. Allele origin: germline.
Comment: In summary, the available evidence is currently insufficient to determine the role of this variant in disease. Therefore, it has been classified as a Variant of Uncertain Significance. Algorithms developed to predict the effect of missense changes on protein structure and function output the following: SIFT: "Deleterious"; PolyPhen-2: "Probably Damaging"; Align-GVGD: "Class C65". The cysteine amino acid residue is found in multiple mammalian species, which suggests that this missense change does not adversely affect protein function. ClinVar contains an entry for this variant (Variation ID: 1431587). This variant has not been reported in the literature in individuals affected with PLEKHG2-related conditions. This variant is present in population databases (rs200639701, gnomAD 0.1%). This sequence change replaces tyrosine, which is neutral and polar, with cysteine, which is neutral and slightly polar, at codon 1285 of the PLEKHG2 protein (p.Tyr1285Cys).

NM_022835.3(PLEKHG2):c.3854A>G (p.Tyr1285Cys)

Gene: PLEKHG2 (pleckstrin homology and RhoGEF domain containing G2; plus strand). Cytogenetic location: 19q13.2.
Variant type: single nucleotide variant.
Coding change: c.3854A>G on transcript NM_022835.3 (MANE Select); coding-DNA position 3854, A replaced by G.
Protein change: p.Tyr1285Cys; replaces tyrosine 1285 with cysteine.
Molecular consequence: missense variant. On other transcripts: intron variant (2).
Genome position (GRCh38, 1-based): chr19:39,424,987, A>G. VCF-style: chr19-39424987-A-G. GRCh37 (hg19) VCF-style: chr19-39915627-A-G.
Other names: c.3854A>G (NM_022835.2); c.3572+105A>G (NM_001351693.2); c.1678-251A>G (NM_001351694.2); short protein forms Y1285C.
Identifiers: ClinVar variation 1431587 (VCV001431587.10), dbSNP rs200639701, ClinGen allele CA9430066.